The following is an entry in ClinVar:

NM_001961.4(EEF2):c.623T>C (p.Val208Ala)

Gene: EEF2 (eukaryotic translation elongation factor 2; minus strand). Cytogenetic location: 19p13.3.
Variant type: single nucleotide variant.
Coding change: c.623T>C on transcript NM_001961.4 (MANE Select); coding-DNA position 623, T replaced by C.
Protein change: p.Val208Ala; replaces valine 208 with alanine.
Molecular consequence: missense variant.
Genome position (GRCh38, 1-based): chr19:3,982,414, A>G on the plus strand (T>C on the coding strand, the complement: EEF2 is on the minus strand). VCF-style: chr19-3982414-A-G. GRCh37 (hg19) VCF-style: chr19-3982412-A-G.
Other names: short protein forms V208A.
Identifiers: ClinVar variation 3571576 (VCV003571576.1).
Genomic context (GRCh38, chr19:3,982,414, plus strand): 5'-AACTGCTTCAGGGTGAAGGCCCACCCGTGGAGGCCAGACCCAAAGCCCACGGTACCGAGG[A>G]CAGGATCGATCTGGAAGTGTGAGAAACGAGAAGCAGCCGTGAGGGCCCCTGCGCAGAGCC-3'
Protein context (NP_001952.1, residues 198-218): GPMGNIMIDP[Val208Ala]LGTVGFGSGL

ClinVar aggregate classification (germline): Uncertain significance (1 of 4 stars; one submission).

Submission:

Athena Diagnostics
Classification: Uncertain significance. Last evaluated: 2024-04-16. Review status: criteria provided, single submitter. Criteria: Athena Diagnostics Criteria. Collection method: clinical testing. Allele origin: unknown.
Comment: Available data are insufficient to determine the clinical significance of the variant at this time. This variant has not been reported in large, multi-ethnic general populations. MutationTaster could not make a prediction for this variant. Polyphen predicts this amino acid change may be benign.